The following is an entry in ClinVar:

NM_021008.4(DEAF1):c.1593+5G>A

Gene: DEAF1 (DEAF1 transcription factor; minus strand). Cytogenetic location: 11p15.5.
Variant type: single nucleotide variant.
Coding change: c.1593+5G>A on transcript NM_021008.4 (MANE Select); 5 bases into the intron after coding-DNA position 1593, G replaced by A.
Molecular consequence: intron variant.
Genome position (GRCh38, 1-based): chr11:653,957, C>T on the plus strand (G>A on the coding strand, the complement: DEAF1 is on the minus strand). VCF-style: chr11-653957-C-T. GRCh37 (hg19) VCF-style: chr11-653957-C-T.
Other names: c.867+5G>A (NM_001367390.1, NM_001440885.1, NM_001440887.1 and 1 more transcripts); c.1368+5G>A (NM_001293634.2); c.1464+5G>A (NM_001440884.1); c.1504-9303G>A (NM_001440883.1).
Identifiers: ClinVar variation 2784593 (VCV002784593.3), dbSNP rs747284008, ClinGen allele CA5786148.

ClinVar aggregate classification (germline): Uncertain significance (1 of 4 stars; one submission).

Allele frequency attached by ClinVar (database versions not stated): ExAC 0.00001; gnomAD 0.00010.
gnomAD v4.1: 56 of 1,613,596 alleles (0.0035%); no homozygotes.

Submission:

Labcorp Genetics (formerly Invitae), Labcorp
Classification: Uncertain significance. Last evaluated: 2023-11-17. Review status: criteria provided, single submitter. Criteria: Invitae Variant Classification Sherloc (09022015). Collection method: clinical testing. Allele origin: germline.
Comment: This sequence change falls in intron 11 of the DEAF1 gene. It does not directly change the encoded amino acid sequence of the DEAF1 protein. It affects a nucleotide within the consensus splice site. This variant is present in population databases (rs747284008, gnomAD 0.06%). This variant has not been reported in the literature in individuals affected with DEAF1-related conditions. Variants that disrupt the consensus splice site are a relatively common cause of aberrant splicing (PMID: 17576681, 9536098). Algorithms developed to predict the effect of sequence changes on RNA splicing suggest that this variant is not likely to affect RNA splicing. In summary, the available evidence is currently insufficient to determine the role of this variant in disease. Therefore, it has been classified as a Variant of Uncertain Significance.

Literature cited by the submitters: PubMed 17576681; PubMed 9536098.